The following is an entry in ClinVar:

NM_001242.5(CD27):c.696T>G (p.Cys232Trp)

Genes: CD27 (CD27 molecule; plus strand), CD27-AS1 (CD27 antisense RNA 1; minus strand), LOC130007243 (ATAC-STARR-seq lymphoblastoid active region 5860; plus strand). Cytogenetic location: 12p13.31.
Variant type: single nucleotide variant.
Coding change: c.696T>G on transcript NM_001242.5 (MANE Select); coding-DNA position 696, T replaced by G.
Protein change: p.Cys232Trp; replaces cysteine 232 with tryptophan.
Molecular consequence: missense variant. On other transcripts: non-coding transcript variant (1).
Genome position (GRCh38, 1-based): chr12:6,451,305, T>G. VCF-style: chr12-6451305-T-G. GRCh37 (hg19) VCF-style: chr12-6560471-T-G.
Other names: c.789T>G, p.Cys263Trp (NM_001413263.1); c.669T>G, p.Cys223Trp (NM_001413264.1); c.516T>G, p.Cys172Trp (NM_001413265.1); c.246T>G, p.Cys82Trp (NM_001413266.1, NM_001413267.1, NM_001413268.1); short protein forms C172W, C223W, C82W, C232W, C263W.
Identifiers: ClinVar variation 2126051 (VCV002126051.5), dbSNP rs1949541770, ClinGen allele CA383551518.

ClinVar aggregate classification (germline): Uncertain significance. Review status: criteria provided, multiple submitters, no conflicts (2 of 4 stars). 2 submissions from 2 submitters: Uncertain significance (2). Last evaluated 2025-11-12.

Conditions:
Inborn genetic diseases. Identifiers: MedGen C0950123, MeSH D030342.
Lymphoproliferative syndrome 2 (LPFS2). Also called: Combined immunodeficiency due to CD27 deficiency; CD27 DEFICIENCY. Identifiers: Orphanet 238505, MedGen C3554540, MONDO:0014054, OMIM 615122.

Allele frequency attached by ClinVar (database versions not stated): TOPMed below 0.00001.

Submissions (2):

Ambry Genetics
Classification: Uncertain significance for Inborn genetic diseases. Last evaluated: 2025-11-12. Review status: criteria provided, single submitter. Criteria: Ambry Variant Classification Scheme 2023. Collection method: clinical testing. Allele origin: germline.

Labcorp Genetics (formerly Invitae), Labcorp
Classification: Uncertain significance for Lymphoproliferative syndrome 2. Last evaluated: 2022-04-13. Review status: criteria provided, single submitter. Criteria: Invitae Variant Classification Sherloc (09022015). Collection method: clinical testing. Allele origin: germline.
Comment: This sequence change replaces cysteine, which is neutral and slightly polar, with tryptophan, which is neutral and slightly polar, at codon 232 of the CD27 protein (p.Cys232Trp). In summary, the available evidence is currently insufficient to determine the role of this variant in disease. Therefore, it has been classified as a Variant of Uncertain Significance. Algorithms developed to predict the effect of sequence changes on RNA splicing suggest that this variant may disrupt the consensus splice site. Algorithms developed to predict the effect of missense changes on protein structure and function are either unavailable or do not agree on the potential impact of this missense change (SIFT: "Deleterious"; PolyPhen-2: "Possibly Damaging"; Align-GVGD: "Class C0"). This variant has not been reported in the literature in individuals affected with CD27-related conditions. This variant is not present in population databases (gnomAD no frequency).